The following is an entry in ClinVar:

ClinVar aggregate classification (germline): Uncertain significance. Review status: criteria provided, multiple submitters, no conflicts (2 of 4 stars). 10 submissions from 7 submitters: Uncertain significance (10). Last evaluated 2024-09-23.

Conditions:
Congenital myopathy 18. Also called: Myopathy, congenital, due to dihydropyridine receptor defect; DIHYDROPYRIDINE RECEPTOR CONGENITAL MYOPATHY; DHPR CONGENITAL MYOPATHY. Identifiers: MedGen C5830283, MONDO:0859514, OMIM 620246.
Thyrotoxic periodic paralysis, susceptibility to, 1 (TTPP1). Identifiers: Orphanet 79102, MedGen C2749982, MONDO:0008570, OMIM 188580.
Hypokalemic periodic paralysis, type 1. Also called: Hypokalemic Periodic Paralysis Type 1 (AD); HypoPP. Identifiers: Orphanet 681, MedGen C3714580, MONDO:0042979, OMIM 170400.
Malignant hyperthermia, susceptibility to, 5 (MHS5). Also called: CACNA1S-Related Malignant Hyperthermia Susceptibility. Identifiers: Orphanet 423, MedGen C1866077, MONDO:0011163, OMIM 601887.
Inborn genetic diseases. Identifiers: MedGen C0950123, MeSH D030342.

Allele frequency attached by ClinVar (database versions not stated): gnomAD exomes 0.00001 and 0.00003; ExAC 0.00003; ESP Exome Variant Server 0.00008; TOPMed below 0.00001.

Submissions (10):

All of Us Research Program, National Institutes of Health
Classification: Uncertain significance for Malignant hyperthermia, susceptibility to, 5. Last evaluated: 2024-09-23. Review status: criteria provided, single submitter. Criteria: ACMG Guidelines, 2015. Collection method: clinical testing. Allele origin: germline. Inheritance: Autosomal dominant inheritance. Observed: 9 variant alleles, 9 heterozygotes.
Comment: This missense variant replaces isoleucine with serine at codon 1328 of the CACNA1S protein. Computational prediction suggests that this variant may have deleterious impact on protein structure and function (internally defined REVEL score threshold >= 0.7, PMID: 27666373). To our knowledge, functional studies have not been reported for this variant. This variant has not been reported in individuals affected with CACNA1S-related disorders in the literature. This variant has been identified in 8/251482 chromosomes in the general population by the Genome Aggregation Database (gnomAD). The available evidence is insufficient to determine the role of this variant in disease conclusively. Therefore, this variant is classified as a Variant of Uncertain Significance.

This study involves interpretation of variants in research participants for the purpose of population health screening. Participant phenotype was not available at the time of variant classification. Additional details can be found in publication PMID: 35346344, PMCID: PMC8962531

Fulgent Genetics
Classification: Uncertain significance for Hypokalemic periodic paralysis, type 1; Thyrotoxic periodic paralysis, susceptibility to, 1; Malignant hyperthermia, susceptibility to, 5; Congenital myopathy 18. Last evaluated: 2024-04-10. Review status: criteria provided, single submitter. Criteria: ACMG Guidelines, 2015. Collection method: clinical testing. Allele origin: germline.

Color Diagnostics, LLC DBA Color Health
Classification: Uncertain significance for Malignant hyperthermia, susceptibility to, 5. Last evaluated: 2024-03-07. Review status: criteria provided, single submitter. Criteria: ACMG Guidelines, 2015. Collection method: clinical testing. Allele origin: germline.
Comment: This missense variant replaces isoleucine with serine at codon 1328 of the CACNA1S protein. Computational prediction suggests that this variant may have deleterious impact on protein structure and function. To our knowledge, functional studies have not been reported for this variant. This variant has not been reported in individuals affected with CACNA1S-related disorders in the literature. This variant has been identified in 8/251482 chromosomes in the general population by the Genome Aggregation Database (gnomAD). The available evidence is insufficient to determine the role of this variant in disease conclusively. Therefore, this variant is classified as a Variant of Uncertain Significance.

Labcorp Genetics (formerly Invitae), Labcorp
Classification: Uncertain significance for Hypokalemic periodic paralysis, type 1; Malignant hyperthermia, susceptibility to, 5. Last evaluated: 2023-10-22. Review status: criteria provided, single submitter. Criteria: Invitae Variant Classification Sherloc (09022015). Collection method: clinical testing. Allele origin: germline.
Comment: This sequence change replaces isoleucine, which is neutral and non-polar, with serine, which is neutral and polar, at codon 1328 of the CACNA1S protein (p.Ile1328Ser). This variant is present in population databases (rs142144624, gnomAD 0.01%). This variant has not been reported in the literature in individuals affected with CACNA1S-related conditions. ClinVar contains an entry for this variant (Variation ID: 645005). Advanced modeling of protein sequence and biophysical properties (such as structural, functional, and spatial information, amino acid conservation, physicochemical variation, residue mobility, and thermodynamic stability) has been performed at Invitae for this missense variant, however the output from this modeling did not meet the statistical confidence thresholds required to predict the impact of this variant on CACNA1S protein function. In summary, the available evidence is currently insufficient to determine the role of this variant in disease. Therefore, it has been classified as a Variant of Uncertain Significance.

Ambry Genetics
Classification: Uncertain significance for Inborn genetic diseases. Last evaluated: 2023-09-12. Review status: criteria provided, single submitter. Criteria: Ambry Variant Classification Scheme 2023. Collection method: clinical testing. Allele origin: germline.

Genome-Nilou Lab
Classification: Uncertain significance for Malignant hyperthermia, susceptibility to, 5. Last evaluated: 2023-04-11. Review status: criteria provided, single submitter. Criteria: ACMG Guidelines, 2015. Collection method: clinical testing. Allele origin: germline. Affected: no.

Genome-Nilou Lab
Classification: Uncertain significance for Thyrotoxic periodic paralysis, susceptibility to, 1. Last evaluated: 2023-04-11. Review status: criteria provided, single submitter. Criteria: ACMG Guidelines, 2015. Collection method: clinical testing. Allele origin: germline. Affected: no.

Genome-Nilou Lab
Classification: Uncertain significance for Congenital myopathy 18. Last evaluated: 2023-04-11. Review status: criteria provided, single submitter. Criteria: ACMG Guidelines, 2015. Collection method: clinical testing. Allele origin: germline. Affected: no.

Genome-Nilou Lab
Classification: Uncertain significance for Hypokalemic periodic paralysis, type 1. Last evaluated: 2023-04-11. Review status: criteria provided, single submitter. Criteria: ACMG Guidelines, 2015. Collection method: clinical testing. Allele origin: germline. Affected: no.

CENTOGENE GmbH and LLC - Guiding Precision Medicine
Classification: Uncertain significance for Hypokalemic periodic paralysis, type 1. Last evaluated: 2019-05-31. Review status: criteria provided, single submitter. Criteria: ACMG Guidelines, 2015. Collection method: clinical testing. Allele origin: maternal.

NM_000069.3(CACNA1S):c.3983T>G (p.Ile1328Ser)

Gene: CACNA1S (calcium voltage-gated channel subunit alpha1 S; minus strand). Cytogenetic location: 1q32.1.
Variant type: single nucleotide variant.
Coding change: c.3983T>G on transcript NM_000069.3 (MANE Select); coding-DNA position 3983, T replaced by G.
Protein change: p.Ile1328Ser; replaces isoleucine 1328 with serine.
Molecular consequence: missense variant.
Genome position (GRCh38, 1-based): chr1:201,051,114, A>C on the plus strand (T>G on the coding strand, the complement: CACNA1S is on the minus strand). VCF-style: chr1-201051114-A-C. GRCh37 (hg19) VCF-style: chr1-201020242-A-C.
Other names: short protein forms I1328S.
Identifiers: ClinVar variation 645005 (VCV000645005.19), dbSNP rs142144624, ClinGen allele CA083016.
Genomic context (GRCh38, chr1:201,051,114, plus strand): 5'-TCCCCTGGGGCATAGTCCGACTCTGGGTCACACAGCTTCCCATAGCTGCAGGCCAGTAGG[A>C]TCTCCTGCCAGGCCTCACCTGTTGCACACCTAGAGGACAGAAGAGGCTCCTGTCACCTAT-3'
Protein context (NP_000060.2, residues 1318-1338): RCATGEAWQE[Ile1328Ser]LLACSYGKLC